The following is an entry in ClinVar:

ClinVar aggregate classification (germline): Uncertain significance (1 of 4 stars; one submission).

Conditions:
Emery-Dreifuss muscular dystrophy (EDMD). Also called: Scapuloperoneal syndrome, X-linked (formerly); Humeroperoneal neuromuscular disease, (formerly). Identifiers: Orphanet 261, MedGen C0410189, MONDO:0016830.

Submission:

Labcorp Genetics (formerly Invitae), Labcorp
Classification: Uncertain significance for Emery-Dreifuss muscular dystrophy. Last evaluated: 2025-04-17. Review status: criteria provided, single submitter. Criteria: Invitae Variant Classification Sherloc (09022015). Collection method: clinical testing. Allele origin: germline.
Comment: This sequence change replaces aspartic acid, which is acidic and polar, with glycine, which is neutral and non-polar, at codon 542 of the SUN2 protein (p.Asp542Gly). This variant is not present in population databases (gnomAD no frequency). This variant has not been reported in the literature in individuals affected with SUN2-related conditions. An algorithm developed to predict the effect of missense changes on protein structure and function (PolyPhen-2) suggests that this variant is likely to be disruptive. In summary, the available evidence is currently insufficient to determine the role of this variant in disease. Therefore, it has been classified as a Variant of Uncertain Significance.

NM_015374.3(SUN2):c.1625A>G (p.Asp542Gly)

Genes: GTPBP1 (GTP binding protein 1; plus strand), SUN2 (Sad1 and UNC84 domain containing 2; minus strand). Cytogenetic location: 22q13.1.
Variant type: single nucleotide variant.
Coding change: c.1625A>G on transcript NM_015374.3 (MANE Select); coding-DNA position 1625, A replaced by G.
Protein change: p.Asp542Gly; replaces aspartic acid 542 with glycine.
Molecular consequence: missense variant.
Genome position (GRCh38, 1-based): chr22:38,739,380, T>C on the plus strand (A>G on the coding strand, the complement: SUN2 is on the minus strand). VCF-style: chr22-38739380-T-C. GRCh37 (hg19) VCF-style: chr22-39135385-T-C.
Other names: c.1622A>G, p.Asp541Gly (NM_001394437.1, NM_001394436.1); c.1535A>G, p.Asp512Gly (NM_001394438.1); c.1487A>G, p.Asp496Gly (NM_001394439.1, NM_001394440.1, NM_001394441.1); c.1226A>G, p.Asp409Gly (NM_001394442.1); c.1133A>G, p.Asp378Gly (NM_001394443.1); c.1049A>G, p.Asp350Gly (NM_001394444.1, NM_001394445.1); c.1688A>G, p.Asp563Gly (NM_001199579.2, NM_001394428.1); c.1625A>G, p.Asp542Gly (NM_001199580.2, NM_001394431.1, NM_001394432.1 and 3 more transcripts); and 2 more; short protein forms D409G, D557G, D563G, D350G, D496G, D512G, D542G, D573G.
Identifiers: ClinVar variation 4717134 (VCV004717134.1).
Genomic context (GRCh38, chr22:38,739,380, plus strand): 5'-GCGAGGAAAGCAGAGCACGTACCTCCTGACTCCAGGGCGTAGTCTGCCAGCCCGATGCGG[T>C]CCTCACTGTAGCGCTGCAGGGCCTGCTTCACGATGTGGTGCACCTGCTGCAATGCAGGCA-3'
Protein context (NP_056189.1, residues 532-552): VKQALQRYSE[Asp542Gly]RIGLADYALE